The following is an entry in ClinVar:

ClinVar aggregate classification (germline): Uncertain significance (1 of 4 stars; one submission).

Conditions:
Familial adenomatous polyposis 2. Also called: COLORECTAL ADENOMATOUS POLYPOSIS, AUTOSOMAL RECESSIVE; ADENOMAS, MULTIPLE COLORECTAL, AUTOSOMAL RECESSIVE; MUTYH-associated polyposis; MUTYH Polyposis; Adenomas, multiple colorectal; MUTYH-related attenuated familial adenomatous polyposis. Identifiers: Orphanet 220460, Orphanet 247798, MedGen C3272841, MONDO:0012041, OMIM 608456.

Submission:

Labcorp Genetics (formerly Invitae), Labcorp
Classification: Uncertain significance for Familial adenomatous polyposis 2. Last evaluated: 2020-11-27. Review status: criteria provided, single submitter. Criteria: Invitae Variant Classification Sherloc (09022015). Collection method: clinical testing. Allele origin: germline.
Comment: In summary, the available evidence is currently insufficient to determine the role of this variant in disease. Therefore, it has been classified as a Variant of Uncertain Significance. Algorithms developed to predict the effect of missense changes on protein structure and function (SIFT, PolyPhen-2, Align-GVGD) all suggest that this variant is likely to be disruptive, but these predictions have not been confirmed by published functional studies and their clinical significance is uncertain. This variant has not been reported in the literature in individuals with MUTYH-related conditions. This variant is not present in population databases (ExAC no frequency). This sequence change replaces glycine with glutamic acid at codon 221 of the MUTYH protein (p.Gly221Glu). The glycine residue is highly conserved and there is a moderate physicochemical difference between glycine and glutamic acid.

NM_001048174.2(MUTYH):c.578G>A (p.Gly193Glu)

Gene: MUTYH (mutY DNA glycosylase; minus strand). Cytogenetic location: 1p34.1.
Variant type: single nucleotide variant.
Coding change: c.578G>A on transcript NM_001048174.2 (MANE Select); coding-DNA position 578, G replaced by A.
Protein change: p.Gly193Glu; replaces glycine 193 with glutamic acid.
Molecular consequence: missense variant. On other transcripts: non-coding transcript variant (2).
Genome position (GRCh38, 1-based): chr1:45,332,602, C>T on the plus strand (G>A on the coding strand, the complement: MUTYH is on the minus strand). VCF-style: chr1-45332602-C-T. GRCh37 (hg19) VCF-style: chr1-45798274-C-T.
Other names: c.578G>A, p.Gly193Glu (NM_001048171.2, NM_001048173.2, NM_001293195.2); c.581G>A, p.Gly194Glu (NM_001048172.2); c.662G>A, p.Gly221Glu (NM_001128425.2); c.623G>A, p.Gly208Glu (NM_001293190.2); c.611G>A, p.Gly204Glu (NM_001293191.2); c.302G>A, p.Gly101Glu (NM_001293192.2, NM_001293196.2); c.233G>A, p.Gly78Glu (NM_001350650.2, NM_001350651.2); c.653G>A, p.Gly218Glu (NM_012222.3); short protein forms G218E, G78E, G194E, G204E, G221E, G101E, G193E, G208E.
Identifiers: ClinVar variation 1426378 (VCV001426378.8), dbSNP rs1064793779, ClinGen allele CA340135308.